The following is an entry in ClinVar:

NM_058246.4(DNAJB6):c.235+168G>A

Gene: DNAJB6 (DnaJ heat shock protein family (Hsp40) member B6; plus strand). Cytogenetic location: 7q36.3.
Variant type: single nucleotide variant.
Coding change: c.235+168G>A on transcript NM_058246.4 (MANE Select); 168 bases into the intron after coding-DNA position 235, G replaced by A.
Molecular consequence: intron variant.
Genome position (GRCh38, 1-based): chr7:157,366,729, G>A. VCF-style: chr7-157366729-G-A. GRCh37 (hg19) VCF-style: chr7-157159423-G-A.
Other names: c.235+168G>A (NM_001363676.1, NM_005494.3).
Identifiers: ClinVar variation 679291 (VCV000679291.2), dbSNP rs3779591, ClinGen allele CA12527634.

ClinVar aggregate classification (germline): Benign. Review status: criteria provided, multiple submitters, no conflicts (2 of 4 stars). 2 submissions from 2 submitters: Benign (2). Last evaluated 2018-06-14.

Allele frequency attached by ClinVar (database versions not stated): gnomAD 0.54960 and 0.55382; TOPMed 0.55287; 1000 Genomes Project 30x 0.56590; 1000 Genomes Project 0.57348.
gnomAD v4.1: 84,098 of 151,730 alleles (55%); highest among the groups gnomAD compares: East Asian, 76%; 23,570 homozygotes.

Submissions (2):

GeneDx
Classification: Benign. Last evaluated: 2018-06-14. Review status: criteria provided, single submitter. Criteria: GeneDx Variant Classification (06012015). Collection method: clinical testing. Allele origin: germline. Affected: yes.
Comment: This variant is considered likely benign or benign based on one or more of the following criteria: it is a conservative change, it occurs at a poorly conserved position in the protein, it is predicted to be benign by multiple in silico algorithms, and/or has population frequency not consistent with disease.

Breakthrough Genomics
Classification: Benign. Review status: criteria provided, single submitter. Criteria: ACMG Guidelines, 2015. Collection method: not provided. Allele origin: germline. Inheritance: Autosomal dominant inheritance. Affected: yes.